The following is an entry in ClinVar:

NM_004795.4(KL):c.2824A>C (p.Lys942Gln)

Gene: KL (klotho; plus strand). Cytogenetic location: 13q13.1.
Variant type: single nucleotide variant.
Coding change: c.2824A>C on transcript NM_004795.4 (MANE Select); coding-DNA position 2824, A replaced by C.
Protein change: p.Lys942Gln; replaces lysine 942 with glutamine.
Molecular consequence: missense variant.
Genome position (GRCh38, 1-based): chr13:33,063,971, A>C. VCF-style: chr13-33063971-A-C. GRCh37 (hg19) VCF-style: chr13-33638108-A-C.
Other names: short protein forms K942Q.
Identifiers: ClinVar variation 2368204 (VCV002368204.6), dbSNP rs767306568, ClinGen allele CA6944398.

ClinVar aggregate classification (germline): Uncertain significance. Review status: criteria provided, multiple submitters, no conflicts (2 of 4 stars). 2 submissions from 2 submitters: Uncertain significance (2). Last evaluated 2025-08-05.

Allele frequency attached by ClinVar (database versions not stated): ExAC 0.00002; gnomAD 0.00002; TOPMed 0.00002; gnomAD exomes 0.00004.
gnomAD v4.1: 58 of 1,614,066 alleles (0.0036%); highest among the groups gnomAD compares: Non-Finnish European, 0.0047%; no homozygotes.

Submissions (2):

Ambry Genetics
Classification: Uncertain significance. Last evaluated: 2025-08-05. Review status: criteria provided, single submitter. Criteria: Ambry Variant Classification Scheme 2023. Collection method: clinical testing. Allele origin: germline.

Labcorp Genetics (formerly Invitae), Labcorp
Classification: Uncertain significance. Last evaluated: 2024-05-23. Review status: criteria provided, single submitter. Criteria: Invitae Variant Classification Sherloc (09022015). Collection method: clinical testing. Allele origin: germline.
Comment: This sequence change replaces lysine, which is basic and polar, with glutamine, which is neutral and polar, at codon 942 of the KL protein (p.Lys942Gln). This variant is present in population databases (rs767306568, gnomAD 0.004%). This missense change has been observed in individual(s) with pseudoxanthoma elasticum (PMID: 34906475). ClinVar contains an entry for this variant (Variation ID: 2368204). Advanced modeling of protein sequence and biophysical properties (such as structural, functional, and spatial information, amino acid conservation, physicochemical variation, residue mobility, and thermodynamic stability) performed at Invitae indicates that this missense variant is not expected to disrupt KL protein function with a negative predictive value of 80%. In summary, the available evidence is currently insufficient to determine the role of this variant in disease. Therefore, it has been classified as a Variant of Uncertain Significance.

Literature cited by the submitters: PubMed 34906475 (cited by Labcorp Genetics (formerly Invitae), Labcorp).